The following is an entry in ClinVar:

NM_005559.4(LAMA1):c.2764G>A (p.Asp922Asn)

Gene: LAMA1 (laminin subunit alpha 1; minus strand). Cytogenetic location: 18p11.31.
Variant type: single nucleotide variant.
Coding change: c.2764G>A on transcript NM_005559.4 (MANE Select); coding-DNA position 2764, G replaced by A.
Protein change: p.Asp922Asn; replaces aspartic acid 922 with asparagine.
Molecular consequence: missense variant.
Genome position (GRCh38, 1-based): chr18:7,017,322, C>T on the plus strand (G>A on the coding strand, the complement: LAMA1 is on the minus strand). VCF-style: chr18-7017322-C-T. GRCh37 (hg19) VCF-style: chr18-7017321-C-T.
Other names: short protein forms D922N.
Identifiers: ClinVar variation 1308766 (VCV001308766.2), dbSNP rs371371596, ClinGen allele CA8882534.

ClinVar aggregate classification (germline): Uncertain significance (1 of 4 stars; one submission).

Allele frequency attached by ClinVar (database versions not stated): TOPMed 0.00002; gnomAD 0.00003; gnomAD exomes 0.00006; ExAC 0.00007.
gnomAD v4.1: 99 of 1,613,918 alleles (0.0061%); highest among the groups gnomAD compares: Middle Eastern, 0.082%; 1 homozygote.

Submission:

GeneDx
Classification: Uncertain significance. Last evaluated: 2019-10-16. Review status: criteria provided, single submitter. Criteria: GeneDx Variant Classification Process June 2021. Collection method: clinical testing. Allele origin: germline. Affected: yes.
Comment: In silico analysis, which includes protein predictors and evolutionary conservation, supports that this variant does not alter protein structure/function; Has not been previously published as pathogenic or benign to our knowledge